The following is an entry in ClinVar:

ClinVar aggregate classification (germline): Uncertain significance (1 of 4 stars; one submission).

Allele frequency attached by ClinVar (database versions not stated): TOPMed below 0.00001.
gnomAD v4.1: 3 of 1,570,330 alleles (0.00019%); highest among the groups gnomAD compares: East Asian, 0.0022%; no homozygotes.

Submission:

Labcorp Genetics (formerly Invitae), Labcorp
Classification: Uncertain significance. Last evaluated: 2022-10-17. Review status: criteria provided, single submitter. Criteria: Invitae Variant Classification Sherloc (09022015). Collection method: clinical testing. Allele origin: germline.
Comment: This sequence change replaces lysine, which is basic and polar, with glutamine, which is neutral and polar, at codon 686 of the MYSM1 protein (p.Lys686Gln). In summary, the available evidence is currently insufficient to determine the role of this variant in disease. Therefore, it has been classified as a Variant of Uncertain Significance. Advanced modeling of protein sequence and biophysical properties (such as structural, functional, and spatial information, amino acid conservation, physicochemical variation, residue mobility, and thermodynamic stability) performed at Invitae indicates that this missense variant is not expected to disrupt MYSM1 protein function. This variant has not been reported in the literature in individuals affected with MYSM1-related conditions. This variant is not present in population databases (gnomAD no frequency).

NM_001085487.3(MYSM1):c.2056A>C (p.Lys686Gln)

Gene: MYSM1 (Myb like, SWIRM and MPN domains 1; minus strand). Cytogenetic location: 1p32.1.
Variant type: single nucleotide variant.
Coding change: c.2056A>C on transcript NM_001085487.3 (MANE Select); coding-DNA position 2056, A replaced by C.
Protein change: p.Lys686Gln; replaces lysine 686 with glutamine.
Molecular consequence: missense variant.
Genome position (GRCh38, 1-based): chr1:58,665,607, T>G on the plus strand (A>C on the coding strand, the complement: MYSM1 is on the minus strand). VCF-style: chr1-58665607-T-G. GRCh37 (hg19) VCF-style: chr1-59131279-T-G.
Other names: short protein forms K686Q.
Identifiers: ClinVar variation 1969253 (VCV001969253.5), dbSNP rs1374707453, ClinGen allele CA340518742.